The following is an entry in ClinVar:

ClinVar aggregate classification (germline): Conflicting classifications of pathogenicity. Review status: criteria provided, conflicting classifications (1 of 4 stars). 2 submissions from 2 submitters: Uncertain significance (1); Likely benign (1). Last evaluated 2022-08-17.

Allele frequency attached by ClinVar (database versions not stated): TOPMed below 0.00001; gnomAD 0.00001; ExAC 0.00002; gnomAD exomes 0.00002 and 0.00003; 1000 Genomes Project 30x 0.00016; 1000 Genomes Project 0.00020.
gnomAD v4.1: 48 of 1,614,160 alleles (0.003%); highest among the groups gnomAD compares: Non-Finnish European, 0.0038%; no homozygotes.

Submissions (2):

Labcorp Genetics (formerly Invitae), Labcorp
Classification: Uncertain significance. Last evaluated: 2022-08-17. Review status: criteria provided, single submitter. Criteria: Invitae Variant Classification Sherloc (09022015). Collection method: clinical testing. Allele origin: germline.
Comment: This sequence change replaces alanine, which is neutral and non-polar, with valine, which is neutral and non-polar, at codon 115 of the MRPS16 protein (p.Ala115Val). This variant is present in population databases (rs537369433, gnomAD 0.007%). This variant has not been reported in the literature in individuals affected with MRPS16-related conditions. ClinVar contains an entry for this variant (Variation ID: 214671). Algorithms developed to predict the effect of missense changes on protein structure and function are either unavailable or do not agree on the potential impact of this missense change (SIFT: "Tolerated"; PolyPhen-2: "Possibly Damaging"; Align-GVGD: "Class C0"). Algorithms developed to predict the effect of sequence changes on RNA splicing suggest that this variant may create or strengthen a splice site. In summary, the available evidence is currently insufficient to determine the role of this variant in disease. Therefore, it has been classified as a Variant of Uncertain Significance.

GeneDx
Classification: Likely benign. Last evaluated: 2012-06-05. Review status: criteria provided, single submitter. Criteria: GeneDx Variant Classification (06012015). Collection method: clinical testing. Allele origin: germline. Affected: yes.
Comment: This variant is considered likely benign or benign based on one or more of the following criteria: it is a conservative change, it occurs at a poorly conserved position in the protein, it is predicted to be benign by multiple in silico algorithms, and/or has population frequency not consistent with disease.

NM_016065.4(MRPS16):c.344C>T (p.Ala115Val)

Genes: DNAJC9-AS1 (DNAJC9 and MRPS16 antisense RNA 1; plus strand), MRPS16 (mitochondrial ribosomal protein S16; minus strand). Cytogenetic location: 10q22.2.
Variant type: single nucleotide variant.
Coding change: c.344C>T on transcript NM_016065.4 (MANE Select); coding-DNA position 344, C replaced by T.
Protein change: p.Ala115Val; replaces alanine 115 with valine.
Molecular consequence: missense variant.
Genome position (GRCh38, 1-based): chr10:73,250,922, G>A on the plus strand (C>T on the coding strand, the complement: MRPS16 is on the minus strand). VCF-style: chr10-73250922-G-A. GRCh37 (hg19) VCF-style: chr10-75010680-G-A.
Other names: short protein forms A115V.
Identifiers: ClinVar variation 214671 (VCV000214671.6), dbSNP rs537369433, ClinGen allele CA324925.